The following is an entry in ClinVar:

ClinVar aggregate classification (germline): Uncertain significance (1 of 4 stars; one submission).

Allele frequency attached by ClinVar (database versions not stated): gnomAD exomes below 0.00001; ExAC 0.00001; gnomAD 0.00001; TOPMed 0.00001; ESP Exome Variant Server 0.00008.
gnomAD v4.1: 3 of 1,613,776 alleles (0.00019%); highest among the groups gnomAD compares: African/African-American, 0.0013%; no homozygotes.

Submission:

Labcorp Genetics (formerly Invitae), Labcorp
Classification: Uncertain significance. Last evaluated: 2024-04-15. Review status: criteria provided, single submitter. Criteria: Invitae Variant Classification Sherloc (09022015). Collection method: clinical testing. Allele origin: germline.
Comment: This sequence change replaces glycine, which is neutral and non-polar, with glutamic acid, which is acidic and polar, at codon 139 of the SLC10A2 protein (p.Gly139Glu). This variant is present in population databases (rs372818504, gnomAD 0.007%). This variant has not been reported in the literature in individuals affected with SLC10A2-related conditions. ClinVar contains an entry for this variant (Variation ID: 2125478). Advanced modeling of protein sequence and biophysical properties (such as structural, functional, and spatial information, amino acid conservation, physicochemical variation, residue mobility, and thermodynamic stability) performed at Invitae indicates that this missense variant is expected to disrupt SLC10A2 protein function with a positive predictive value of 80%. In summary, the available evidence is currently insufficient to determine the role of this variant in disease. Therefore, it has been classified as a Variant of Uncertain Significance.

NM_000452.3(SLC10A2):c.416G>A (p.Gly139Glu)

Gene: SLC10A2 (solute carrier family 10 member 2; minus strand). Cytogenetic location: 13q33.1.
Variant type: single nucleotide variant.
Coding change: c.416G>A on transcript NM_000452.3 (MANE Select); coding-DNA position 416, G replaced by A.
Protein change: p.Gly139Glu; replaces glycine 139 with glutamic acid.
Molecular consequence: missense variant.
Genome position (GRCh38, 1-based): chr13:103,058,344, C>T on the plus strand (G>A on the coding strand, the complement: SLC10A2 is on the minus strand). VCF-style: chr13-103058344-C-T. GRCh37 (hg19) VCF-style: chr13-103710694-C-T.
Other names: short protein forms G139E.
Identifiers: ClinVar variation 2125478 (VCV002125478.4), dbSNP rs372818504, ClinGen allele CA7042228.